The following is an entry in ClinVar:

NM_001379500.1(COL18A1):c.55C>T (p.Leu19Phe)

Genes: BNAT1 (breast cancer associated ESR1 regulating natural antisense transcript 1; minus strand), COL18A1 (collagen type XVIII alpha 1 chain; plus strand). Cytogenetic location: 21q22.3.
Variant type: single nucleotide variant.
Coding change: c.55C>T on transcript NM_001379500.1 (MANE Select); coding-DNA position 55, C replaced by T.
Protein change: p.Leu19Phe; replaces leucine 19 with phenylalanine.
Molecular consequence: missense variant. On other transcripts: non-coding transcript variant (1).
Genome position (GRCh38, 1-based): chr21:45,405,422, C>T. VCF-style: chr21-45405422-C-T. GRCh37 (hg19) VCF-style: chr21-46825337-C-T.
Other names: short protein forms L19F.
Identifiers: ClinVar variation 4718235 (VCV004718235.1).
Genomic context (GRCh38, chr21:45,405,422, plus strand): 5'-GTGCCTGTCCCGCGCAGGTGCCCCTGGCCATGGCCGCGGCGGCGGCGCCTCCTGGACGTG[C>T]TCGCGCCCCTGGTCCTGCTGCTCGGGGTCCGCGCGGCCTCCGCGGAGCCAGGTAAGACCC-3'
Protein context (NP_001366429.1, residues 9-29): WPRRRRLLDV[Leu19Phe]APLVLLLGVR

ClinVar aggregate classification (germline): Uncertain significance (1 of 4 stars; one submission).

gnomAD v4.1: 2 of 1,362,966 alleles (0.00015%); highest among the groups gnomAD compares: East Asian, 0.0034%; no homozygotes.

Submission:

Labcorp Genetics (formerly Invitae), Labcorp
Classification: Uncertain significance. Last evaluated: 2025-04-29. Review status: criteria provided, single submitter. Criteria: Invitae Variant Classification Sherloc (09022015). Collection method: clinical testing. Allele origin: germline.
Comment: This sequence change replaces leucine, which is neutral and non-polar, with phenylalanine, which is neutral and non-polar, at codon 19 of the COL18A1 protein (p.Leu19Phe). This variant is not present in population databases (gnomAD no frequency). This variant has not been reported in the literature in individuals affected with COL18A1-related conditions. Experimental studies and prediction algorithms are not available or were not evaluated, and the functional significance of this variant is currently unknown. In summary, the available evidence is currently insufficient to determine the role of this variant in disease. Therefore, it has been classified as a Variant of Uncertain Significance.